The following is an entry in ClinVar:

ClinVar aggregate classification (germline): Uncertain significance (1 of 4 stars; one submission).

Conditions:
Inborn genetic diseases. Identifiers: MedGen C0950123, MeSH D030342.

Submission:

Ambry Genetics
Classification: Uncertain significance for Inborn genetic diseases. Last evaluated: 2025-08-20. Review status: criteria provided, single submitter. Criteria: Ambry Variant Classification Scheme 2023. Collection method: clinical testing. Allele origin: germline.
Comment: The p.K2N variant (also known as c.6G>T), located in coding exon 1 of the ASXL1 gene, results from a G to T substitution at nucleotide position 6. The lysine at codon 2 is replaced by asparagine, an amino acid with similar properties. This amino acid position is conserved. In addition, this alteration is predicted to be tolerated by in silico analysis. Based on the available evidence, the clinical significance of this variant remains unclear.

NM_015338.6(ASXL1):c.6G>T (p.Lys2Asn)

Gene: ASXL1 (ASXL transcriptional regulator 1; plus strand). Cytogenetic location: 20q11.21.
Variant type: single nucleotide variant.
Coding change: c.6G>T on transcript NM_015338.6 (MANE Select); coding-DNA position 6, G replaced by T.
Protein change: p.Lys2Asn; replaces lysine 2 with asparagine.
Molecular consequence: missense variant.
Genome position (GRCh38, 1-based): chr20:32,358,781, G>T. VCF-style: chr20-32358781-G-T. GRCh37 (hg19) VCF-style: chr20-30946584-G-T.
Other names: c.6G>T, p.Lys2Asn (NM_001164603.1); short protein forms K2N.
Identifiers: ClinVar variation 4159036 (VCV004159036.1).